The following is an entry in ClinVar:

ClinVar aggregate classification (germline): Conflicting classifications of pathogenicity. Review status: criteria provided, conflicting classifications (1 of 4 stars). 5 submissions from 5 submitters: Uncertain significance (4); Likely benign (1). Last evaluated 2025-11-12.

Conditions:
Cardiovascular phenotype. Identifiers: MedGen CN230736.
Cardiomyopathy (CMYO). Also called: Cardiomyopathies. Identifiers: Orphanet 167848, MedGen C0878544, MONDO:0004994, HP:0001638. Inheritance: Various modes of inheritance.
Lethal acantholytic epidermolysis bullosa (EBLA). Identifiers: Orphanet 158687, MedGen C1864826, MONDO:0012323, OMIM 609638.
Arrhythmogenic cardiomyopathy with wooly hair and keratoderma. Also called: Dilated cardiomyopathy with woolly hair and keratoderma; Arrhythmogenic cardiomyopathy with woolly hair and keratoderma; PALMOPLANTAR KERATODERMA WITH LEFT VENTRICULAR CARDIOMYOPATHY AND WOOLLY HAIR; Carvajal syndrome. Identifiers: Orphanet 65282, MedGen C1854063, MONDO:0011581, OMIM 605676.
Arrhythmogenic right ventricular dysplasia 8 (ARVD8). Also called: ARRHYTHMOGENIC RIGHT VENTRICULAR DYSPLASIA, FAMILIAL, 8; ARRHYTHMOGENIC RIGHT VENTRICULAR CARDIOMYOPATHY 8; Arrhythmogenic Right Ventricular Dysplasia/Cardiomyopathy 8. Identifiers: MedGen C1843896, MONDO:0011831, OMIM 607450.
Cardiomyopathy, dilated, with wooly hair, keratoderma, and tooth agenesis. Also called: Cardiomyopathy, dilated, with woolly hair, keratoderma, and tooth agenesis; Erythrokeratodermia-cardiomyopathy syndrome. Identifiers: Orphanet 476096, Orphanet 65282, MedGen C4014393, MONDO:0014355, OMIM 615821.
Keratosis palmoplantaris striata 2. Also called: KERATODERMA, PALMOPLANTAR, STRIATE FORM II; STRIATE PALMOPLANTAR KERATODERMA II; Keratosis palmoplantaris striata II. Identifiers: MedGen C1852127, MONDO:0013034, OMIM 612908.
Woolly hair-skin fragility syndrome (WHSF). Identifiers: Orphanet 293165, MedGen C1843292, MONDO:0957307, OMIM 620415.

Allele frequency attached by ClinVar (database versions not stated): gnomAD exomes below 0.00001 and 0.00002; gnomAD 0.00001; TOPMed 0.00001; ExAC 0.00002; ESP Exome Variant Server 0.00008.
gnomAD v4.1: 33 of 1,614,066 alleles (0.002%); highest among the groups gnomAD compares: Non-Finnish European, 0.0026%; no homozygotes.

Submissions (5):

Labcorp Genetics (formerly Invitae), Labcorp
Classification: Uncertain significance for Arrhythmogenic cardiomyopathy with wooly hair and keratoderma; Arrhythmogenic right ventricular dysplasia 8. Last evaluated: 2025-11-12. Review status: criteria provided, single submitter. Criteria: Invitae Variant Classification Sherloc (09022015). Collection method: clinical testing. Allele origin: germline.
Comment: This sequence change replaces methionine, which is neutral and non-polar, with threonine, which is neutral and polar, at codon 577 of the DSP protein (p.Met577Thr). This variant is present in population databases (rs141956992, gnomAD 0.007%). This variant has not been reported in the literature in individuals affected with DSP-related conditions. ClinVar contains an entry for this variant (Variation ID: 642208). An algorithm developed to predict the effect of missense changes on protein structure and function outputs the following: PolyPhen-2: "Benign". The threonine amino acid residue is found in multiple mammalian species, which suggests that this missense change does not adversely affect protein function. In summary, the available evidence is currently insufficient to determine the role of this variant in disease. Therefore, it has been classified as a Variant of Uncertain Significance.

Color Diagnostics, LLC DBA Color Health
Classification: Uncertain significance for Cardiomyopathy. Last evaluated: 2024-03-07. Review status: criteria provided, single submitter. Criteria: ACMG Guidelines, 2015. Collection method: clinical testing. Allele origin: germline.
Comment: This missense variant replaces methionine with threonine at codon 577 of the DSP protein. Computational prediction suggests that this variant may not impact protein structure and function (internally defined REVEL score threshold <= 0.5, PMID: 27666373). To our knowledge, functional studies have not been reported for this variant. This variant has not been reported in individuals affected with cardiovascular disorders in the literature. This variant has been identified in 1/251340 chromosomes in the general population by the Genome Aggregation Database (gnomAD). The available evidence is insufficient to determine the role of this variant in disease conclusively. Therefore, this variant is classified as a Variant of Uncertain Significance.

GeneDx
Classification: Uncertain significance. Last evaluated: 2022-12-05. Review status: criteria provided, single submitter. Criteria: GeneDx Variant Classification Process June 2021. Collection method: clinical testing. Allele origin: germline. Affected: yes.
Comment: Has not been previously published as pathogenic or benign to our knowledge; Not observed at significant frequency in large population cohorts (gnomAD); In silico analysis supports that this missense variant does not alter protein structure/function; This variant is associated with the following publications: (PMID: 26582918)

Ambry Genetics
Classification: Likely benign for Cardiovascular phenotype. Last evaluated: 2021-08-28. Review status: criteria provided, single submitter. Criteria: Ambry Variant Classification Scheme 2023. Collection method: clinical testing. Allele origin: germline.

Fulgent Genetics
Classification: Uncertain significance for Arrhythmogenic cardiomyopathy with wooly hair and keratoderma; Arrhythmogenic right ventricular dysplasia 8; Lethal acantholytic epidermolysis bullosa; Keratosis palmoplantaris striata 2; Cardiomyopathy, dilated, with wooly hair, keratoderma, and tooth agenesis. Last evaluated: 2021-08-25. Review status: criteria provided, single submitter. Criteria: ACMG Guidelines, 2015. Collection method: clinical testing. Allele origin: unknown.

NM_004415.4(DSP):c.1730T>C (p.Met577Thr)

Gene: DSP (desmoplakin; plus strand). Cytogenetic location: 6p24.3.
Variant type: single nucleotide variant.
Coding change: c.1730T>C on transcript NM_004415.4 (MANE Select); coding-DNA position 1730, T replaced by C.
Protein change: p.Met577Thr; replaces methionine 577 with threonine.
Molecular consequence: missense variant.
Genome position (GRCh38, 1-based): chr6:7,571,411, T>C. VCF-style: chr6-7571411-T-C. GRCh37 (hg19) VCF-style: chr6-7571644-T-C.
Other names: c.1730T>C (LRG_423t1); c.1730T>C, p.Met577Thr (NM_001008844.3, NM_001319034.2); short protein forms M577T.
Identifiers: ClinVar variation 642208 (VCV000642208.12), dbSNP rs141956992, ClinGen allele CA029827.